The following is an entry in ClinVar:

NM_004006.3(DMD):c.1654G>T (p.Val552Phe)

Gene: DMD (dystrophin; minus strand). Cytogenetic location: Xp21.1.
Variant type: single nucleotide variant.
Coding change: c.1654G>T on transcript NM_004006.3 (MANE Select); coding-DNA position 1654, G replaced by T.
Protein change: p.Val552Phe; replaces valine 552 with phenylalanine.
Molecular consequence: missense variant.
Genome position (GRCh38, 1-based): chrX:32,573,795, C>A on the plus strand (G>T on the coding strand, the complement: DMD is on the minus strand). VCF-style: chrX-32573795-C-A. GRCh37 (hg19) VCF-style: chrX-32591912-C-A.
Other names: c.1630G>T, p.Val544Phe (NM_000109.4); c.1642G>T, p.Val548Phe (NM_004009.3); c.1285G>T, p.Val429Phe (NM_004010.3); short protein forms V552F, V429F, V548F, V544F.
Identifiers: ClinVar variation 526081 (VCV000526081.9), dbSNP rs748690103, ClinGen allele CA10379773.

ClinVar aggregate classification (germline): Uncertain significance. Review status: criteria provided, multiple submitters, no conflicts (2 of 4 stars). 3 submissions from 3 submitters: Uncertain significance (2). 1 of the submissions does not count toward it. Last evaluated 2025-04-17.

Conditions:
Dystrophin deficiency.
Cardiomyopathy (CMYO). Also called: Cardiomyopathies. Identifiers: Orphanet 167848, MedGen C0878544, MONDO:0004994, HP:0001638. Inheritance: Various modes of inheritance.
Becker muscular dystrophy (BMD). Also called: Becker Muscular Dystrophy (BMD); MUSCULAR DYSTROPHY, PSEUDOHYPERTROPHIC PROGRESSIVE, BECKER TYPE. Identifiers: Orphanet 98895, MedGen C0917713, MONDO:0010311, OMIM 300376.
Duchenne muscular dystrophy (DMD). Also called: Duchenne Muscular Dystrophy (DMD); MUSCULAR DYSTROPHY, PSEUDOHYPERTROPHIC PROGRESSIVE, DUCHENNE TYPE. Identifiers: Orphanet 98896, MedGen C0013264, MONDO:0010679, OMIM 310200.
Dilated cardiomyopathy 3B (CMD3B). Also called: CMD3B: DMD-Related Dilated Cardiomyopathy; CARDIOMYOPATHY, DILATED, X-LINKED; DMD-Associated Dilated Cardiomyopathy. Identifiers: Orphanet 154, MedGen C3668940, MONDO:0010542, OMIM 302045.

Allele frequency attached by ClinVar (database versions not stated): gnomAD 0.00005.
gnomAD v4.1: 2 of 1,211,594 alleles (0.00017%); highest among the groups gnomAD compares: African/African-American, 0.0035%; no homozygotes.

Submissions (3):

Labcorp Genetics (formerly Invitae), Labcorp
Classification: Uncertain significance for Duchenne muscular dystrophy. Last evaluated: 2025-04-17. Review status: criteria provided, single submitter. Criteria: Invitae Variant Classification Sherloc (09022015). Collection method: clinical testing. Allele origin: germline.
Comment: This sequence change replaces valine, which is neutral and non-polar, with phenylalanine, which is neutral and non-polar, at codon 552 of the DMD protein (p.Val552Phe). This variant is present in population databases (rs748690103, gnomAD 0.01%). This variant has not been reported in the literature in individuals affected with DMD-related conditions. ClinVar contains an entry for this variant (Variation ID: 526081). Invitae Evidence Modeling of protein sequence and biophysical properties (such as structural, functional, and spatial information, amino acid conservation, physicochemical variation, residue mobility, and thermodynamic stability) indicates that this missense variant is not expected to disrupt DMD protein function with a negative predictive value of 95%. In summary, the available evidence is currently insufficient to determine the role of this variant in disease. Therefore, it has been classified as a Variant of Uncertain Significance.

Fulgent Genetics
Classification: Uncertain significance for Becker muscular dystrophy; Dilated cardiomyopathy 3B; Duchenne muscular dystrophy. Last evaluated: 2021-08-11. Review status: criteria provided, single submitter. Criteria: ACMG Guidelines, 2015. Collection method: clinical testing. Allele origin: unknown.

Natera, Inc.
Classification: Uncertain significance for Becker muscular dystrophy; Cardiomyopathy; Duchenne muscular dystrophy; Dystrophin deficiency. Last evaluated: 2018-09-02. Review status: no assertion criteria provided. Collection method: clinical testing. Allele origin: germline. Not counted in ClinVar's aggregate classification.